The following is an entry in ClinVar:

NM_133259.4(LRPPRC):c.1488+16G>A

Gene: LRPPRC (leucine rich pentatricopeptide repeat containing; minus strand). Cytogenetic location: 2p21.
Variant type: single nucleotide variant.
Coding change: c.1488+16G>A on transcript NM_133259.4 (MANE Select); 16 bases into the intron after coding-DNA position 1488, G replaced by A.
Molecular consequence: intron variant.
Genome position (GRCh38, 1-based): chr2:43,963,572, C>T on the plus strand (G>A on the coding strand, the complement: LRPPRC is on the minus strand). VCF-style: chr2-43963572-C-T. GRCh37 (hg19) VCF-style: chr2-44190711-C-T.
Identifiers: ClinVar variation 138142 (VCV000138142.8), dbSNP rs200299073, ClinGen allele CA291970.
Genomic context (GRCh38, chr2:43,963,572, plus strand): 5'-TTGTGTGTCAACACTAAACATTAAGGAGGAAAGATATCCTCTTCAATTATTAAATTAAAA[C>T]CACACTTGTACTCACCTGCAAAATGGCTCGTGCTGAGTTTACACTATCAAAGCATGGAAT-3'

ClinVar aggregate classification (germline): Benign. Review status: criteria provided, multiple submitters, no conflicts (2 of 4 stars). 2 submissions from 2 submitters: Benign (2). Last evaluated 2026-01-28.

Allele frequency attached by ClinVar (database versions not stated): gnomAD 0.00032; TOPMed 0.00087; ESP Exome Variant Server 0.00161.
gnomAD v4.1: 1,275 of 1,412,624 alleles (0.09%); highest among the groups gnomAD compares: Non-Finnish European, 0.016%; 32 homozygotes.

Submissions (2):

Labcorp Genetics (formerly Invitae), Labcorp
Classification: Benign. Last evaluated: 2026-01-28. Review status: criteria provided, single submitter. Criteria: Invitae Variant Classification Sherloc (09022015). Collection method: clinical testing. Allele origin: germline.

GeneDx
Classification: Benign. Last evaluated: 2013-11-19. Review status: criteria provided, single submitter. Criteria: GeneDx Variant Classification (06012015). Collection method: clinical testing. Allele origin: germline. Affected: yes.
Comment: This variant is considered likely benign or benign based on one or more of the following criteria: it is a conservative change, it occurs at a poorly conserved position in the protein, it is predicted to be benign by multiple in silico algorithms, and/or has population frequency not consistent with disease.